The following is an entry in ClinVar:

NM_003919.3(SGCE):c.905A>T (p.Lys302Ile)

Genes: CASD1 (CAS1 domain sialic acid O acetyltransferase 1; plus strand), SGCE (sarcoglycan epsilon; minus strand). Cytogenetic location: 7q21.3.
Variant type: single nucleotide variant.
Coding change: c.905A>T on transcript NM_003919.3 (MANE Select); coding-DNA position 905, A replaced by T.
Protein change: p.Lys302Ile; replaces lysine 302 with isoleucine.
Molecular consequence: missense variant.
Genome position (GRCh38, 1-based): chr7:94,600,778, T>A on the plus strand (A>T on the coding strand, the complement: SGCE is on the minus strand). VCF-style: chr7-94600778-T-A. GRCh37 (hg19) VCF-style: chr7-94230090-T-A.
Other names: c.905A>T, p.Lys302Ile (NM_001099400.2, NM_001099401.2, NM_001346717.2); c.782A>T, p.Lys261Ile (NM_001301139.2, NM_001362809.2); c.1013A>T, p.Lys338Ile (NM_001346713.2, NM_001346715.2); c.818A>T, p.Lys273Ile (NM_001346719.2, NM_001362807.2); c.632A>T, p.Lys211Ile (NM_001346720.2, NM_001362808.2); short protein forms K302I, K338I, K261I, K273I, K211I.
Identifiers: ClinVar variation 532784 (VCV000532784.12), dbSNP rs762287154, ClinGen allele CA4348690.

ClinVar aggregate classification (germline): Uncertain significance. Review status: criteria provided, multiple submitters, no conflicts (2 of 4 stars). 3 submissions from 3 submitters: Uncertain significance (3). Last evaluated 2026-01-05.

Conditions:
Inborn genetic diseases. Identifiers: MedGen C0950123, MeSH D030342.
Myoclonic dystonia 11 (DYT11). Also called: DYT-SGCE; Myoclonic dystonia; Dystonia 11; Dystonia, alcohol responsive; Hereditary essential myoclonus; SGCE Myoclonus-Dystonia. Identifiers: Orphanet 36899, MedGen C1834570, MONDO:0008044, OMIM 159900.

Allele frequency attached by ClinVar (database versions not stated): ExAC 0.00002; gnomAD exomes 0.00002; gnomAD 0.00011 and 0.00012; TOPMed 0.00011.
gnomAD v4.1: 48 of 1,613,516 alleles (0.003%); highest among the groups gnomAD compares: African/African-American, 0.04%; 1 homozygote.

Submissions (3):

Labcorp Genetics (formerly Invitae), Labcorp
Classification: Uncertain significance for Myoclonic dystonia 11. Last evaluated: 2026-01-05. Review status: criteria provided, single submitter. Criteria: Invitae Variant Classification Sherloc (09022015). Collection method: clinical testing. Allele origin: germline.
Comment: This sequence change replaces lysine, which is basic and polar, with isoleucine, which is neutral and non-polar, at codon 302 of the SGCE protein (p.Lys302Ile). This variant is present in population databases (rs762287154, gnomAD 0.03%). This missense change has been observed in individual(s) with clinical features of dystonia and related disorders (internal data). ClinVar contains an entry for this variant (Variation ID: 532784). Invitae Evidence Modeling of protein sequence and biophysical properties (such as structural, functional, and spatial information, amino acid conservation, physicochemical variation, residue mobility, and thermodynamic stability) indicates that this missense variant is not expected to disrupt SGCE protein function with a negative predictive value of 80%. In summary, the available evidence is currently insufficient to determine the role of this variant in disease. Therefore, it has been classified as a Variant of Uncertain Significance.

Ambry Genetics
Classification: Uncertain significance for Inborn genetic diseases. Last evaluated: 2023-12-20. Review status: criteria provided, single submitter. Criteria: Ambry Variant Classification Scheme 2023. Collection method: clinical testing. Allele origin: germline.

Revvity Omics, Revvity
Classification: Uncertain significance for Myoclonic dystonia 11. Last evaluated: 2020-04-03. Review status: criteria provided, single submitter. Criteria: ACMG Guidelines, 2015. Collection method: clinical testing. Allele origin: germline.